The following is an entry in ClinVar:

NM_000548.5(TSC2):c.5259+1G>A

Gene: TSC2 (TSC complex subunit 2; plus strand). Cytogenetic location: 16p13.3.
Variant type: single nucleotide variant.
Coding change: c.5259+1G>A on transcript NM_000548.5 (MANE Select); the canonical splice donor site of the intron after coding-DNA position 5259, G replaced by A.
Molecular consequence: splice donor variant.
Genome position (GRCh38, 1-based): chr16:2,088,326, G>A. VCF-style: chr16-2088326-G-A. GRCh37 (hg19) VCF-style: chr16-2138327-G-A.
Other names: c.5181+1G>A (NM_001406665.1); c.5127+1G>A (NM_001370404.1); c.5058+1G>A (NM_001077183.3); c.3717+1G>A (NM_001406694.1, NM_001406693.1, NM_001406692.1); c.3714+1G>A (NM_001406695.1, NM_001406696.1, NM_001406697.1); c.5049+1G>A (NM_001406671.1); c.5046+1G>A (NM_001406673.1); c.4599+1G>A (NM_001406681.1); and 27 more.
Identifiers: ClinVar variation 2497452 (VCV002497452.5), dbSNP rs1567132625, ClinGen allele CA394314826.
Genomic context (GRCh38, chr16:2,088,326, plus strand): 5'-GATATCTACCCCTCCAAGTGGATTGCCCGGCTCCGCCACATCAAGCGGCTCCGCCAGCGG[G>A]TAGGGAATATGGGGCTCCCTCAGCGGGGTGTGCTGGCTGCCCAAGCTGTGGGGCGGGTGT-3'

ClinVar aggregate classification (germline): Uncertain significance. Review status: criteria provided, multiple submitters, no conflicts (2 of 4 stars). 2 submissions from 2 submitters: Uncertain significance (2). Last evaluated 2024-10-03.

Conditions:
Tuberous sclerosis 2 (TSC2). Identifiers: Orphanet 805, MedGen C1860707, MONDO:0013199, OMIM 613254.
Hereditary cancer-predisposing syndrome. Also called: Tumor predisposition; Hereditary neoplastic syndrome; Neoplastic Syndromes, Hereditary; Hereditary Cancer Syndrome. Identifiers: Orphanet 140162, MedGen C0027672, MeSH D009386, MONDO:0015356.

Submissions (2):

Labcorp Genetics (formerly Invitae), Labcorp
Classification: Uncertain significance for Tuberous sclerosis 2. Last evaluated: 2024-10-03. Review status: criteria provided, single submitter. Criteria: Invitae Variant Classification Sherloc (09022015). Collection method: clinical testing. Allele origin: germline.
Comment: This sequence change affects a donor splice site in intron 41 of the TSC2 gene. While this variant is not anticipated to result in nonsense mediated decay, it likely alters RNA splicing and results in a disrupted protein product. This variant is not present in population databases (gnomAD no frequency). This variant has not been reported in the literature in individuals affected with TSC2-related conditions. ClinVar contains an entry for this variant (Variation ID: 2497452). Variants that disrupt the consensus splice site are a relatively common cause of aberrant splicing (PMID: 17576681, 9536098). Algorithms developed to predict the effect of sequence changes on RNA splicing suggest that this variant may disrupt the consensus splice site. In summary, the available evidence is currently insufficient to determine the role of this variant in disease. Therefore, it has been classified as a Variant of Uncertain Significance.

Ambry Genetics
Classification: Uncertain significance for Hereditary cancer-predisposing syndrome. Last evaluated: 2024-06-06. Review status: criteria provided, single submitter. Criteria: Ambry Variant Classification Scheme 2023. Collection method: clinical testing. Allele origin: germline.
Comment: The c.5259+1G>A intronic variant results from a G to A substitution one nucleotide after coding exon 40 of the TSC2 gene. Alterations that disrupt the canonical splice site are expected to cause aberrant splicing. In silico splice site analysis predicts that this alteration will weaken the native splice donor site and will result in the creation or strengthening of a novel splice donor site. The resulting transcript is predicted to be in-frame and is not expected to trigger nonsense-mediated mRNA decay; however, direct evidence is unavailable. The exact functional effect of the altered amino acid sequence is unknown. This nucleotide position is highly conserved in available vertebrate species. Based on the available evidence, the clinical significance of this variant remains unclear.

Literature cited by the submitters: PubMed 17576681 (cited by Labcorp Genetics (formerly Invitae), Labcorp); PubMed 9536098 (cited by Labcorp Genetics (formerly Invitae), Labcorp).